The following is an entry in ClinVar:

NM_001927.4(DES):c.743G>A (p.Arg248His)

Gene: DES (desmin; plus strand). Cytogenetic location: 2q35.
Variant type: single nucleotide variant.
Coding change: c.743G>A on transcript NM_001927.4 (MANE Select); coding-DNA position 743, G replaced by A.
Protein change: p.Arg248His; replaces arginine 248 with histidine.
Molecular consequence: missense variant.
Genome position (GRCh38, 1-based): chr2:219,420,502, G>A. VCF-style: chr2-219420502-G-A. GRCh37 (hg19) VCF-style: chr2-220285224-G-A.
Other names: short protein forms R248H.
Identifiers: ClinVar variation 291217 (VCV000291217.8), dbSNP rs375906682, ClinGen allele CA2125155.

ClinVar aggregate classification (germline): Uncertain significance. Review status: criteria provided, multiple submitters, no conflicts (2 of 4 stars). 2 submissions from 2 submitters: Uncertain significance (2). Last evaluated 2025-11-26.

Conditions:
Desmin-related myofibrillar myopathy (MFM1). Also called: Myofibrillar myopathy 1; MYOFIBRILLAR MYOPATHY WITH ARRHYTHMOGENIC RIGHT VENTRICULAR CARDIOMYOPATHY; DESMIN-RELATED MYOPATHY WITH ARRHYTHMOGENIC RIGHT VENTRICULAR CARDIOMYOPATHY; Desminopathy; Desmin related myopathy (former name); Desmin storage myopathy (former name). Identifiers: Orphanet 363543, Orphanet 98909, MedGen C1832370, MONDO:0011076, OMIM 601419.

Allele frequency attached by ClinVar (database versions not stated): ExAC 0.00001; gnomAD exomes 0.00001; TOPMed 0.00001; ESP Exome Variant Server 0.00008.
gnomAD v4.1: 10 of 1,613,852 alleles (0.00062%); highest among the groups gnomAD compares: South Asian, 0.0033%; no homozygotes.

Submissions (2):

Labcorp Genetics (formerly Invitae), Labcorp
Classification: Uncertain significance for Desmin-related myofibrillar myopathy. Last evaluated: 2025-11-26. Review status: criteria provided, single submitter. Criteria: Invitae Variant Classification Sherloc (09022015). Collection method: clinical testing. Allele origin: germline.
Comment: This sequence change replaces arginine, which is basic and polar, with histidine, which is basic and polar, at codon 248 of the DES protein (p.Arg248His). This variant is present in population databases (rs375906682, gnomAD 0.003%). This variant has not been reported in the literature in individuals affected with DES-related conditions. ClinVar contains an entry for this variant (Variation ID: 291217). Invitae Evidence Modeling of protein sequence and biophysical properties (such as structural, functional, and spatial information, amino acid conservation, physicochemical variation, residue mobility, and thermodynamic stability) has been performed for this missense variant. However, the output from this modeling did not meet the statistical confidence thresholds required to predict the impact of this variant on DES protein function. In summary, the available evidence is currently insufficient to determine the role of this variant in disease. Therefore, it has been classified as a Variant of Uncertain Significance.

Eurofins Ntd Llc (ga)
Classification: Uncertain significance. Last evaluated: 2016-09-16. Review status: criteria provided, single submitter. Criteria: EGL Classification Definitions 2015. Collection method: clinical testing. Allele origin: germline. Observed: 1 variant allele, 1 heterozygote.